The following is an entry in ClinVar:

NM_182641.4(BPTF):c.279_282del (p.Gly94fs)

Gene: BPTF (bromodomain PHD finger transcription factor; plus strand). Cytogenetic location: 17q24.2.
Variant type: Deletion.
Coding change: c.279_282del on transcript NM_182641.4 (MANE Select); coding-DNA positions 279 to 282, 4 bases deleted (GGGG; older notation c.279_282delGGGG).
Protein change: p.Gly94fs; shifts the reading frame from glycine 94.
Molecular consequence: frameshift variant.
Genome position (GRCh38, 1-based): chr17:67,826,003-67,826,006, GGGG deleted; deleting any 4 consecutive bases within chr17:67,825,999-67,826,006 gives the same sequence; the c. name uses the placement nearest the transcript's 3' end. VCF-style (leftmost placement, unchanged base first): chr17-67825998-CGGGG-C. GRCh37 (hg19) VCF-style: chr17-65822114-CGGGG-C.
Other names: c.279_282del, p.Gly94fs (NM_001439139.1, NM_001439140.1, NM_001439141.1 and 4 more transcripts); short protein forms G94fs.
Identifiers: ClinVar variation 4850721 (VCV004850721.1).

ClinVar aggregate classification (germline): Likely pathogenic (1 of 4 stars; one submission).

Conditions:
Neurodevelopmental disorder with dysmorphic facies and distal limb anomalies. Identifiers: Orphanet 686482, MedGen C4540327, MONDO:0060596, OMIM 617755.

Submission:

Variantyx, Inc.
Classification: Likely pathogenic for Neurodevelopmental disorder with dysmorphic facies and distal limb anomalies. Last evaluated: 2025-11-17. Review status: criteria provided, single submitter. Criteria: Variantyx Assertion Criteria 2022. Collection method: clinical testing. Allele origin: germline. Inheritance: Autosomal dominant inheritance. Affected: yes.
Comment: This is a frameshift variant in the BPTF gene (OMIM: 601819). Pathogenic variants in this gene have been associated with autosomal dominant neurodevelopmental disorder with dysmorphic facies and distal limb anomalies. This variant introduces a premature termination codon in exon 1 out of 28 and is expected to result in loss of function, which is a known disease mechanism for BPTF in this disorder (PMID: 28942966, 33522091) (PVS1). It is absent from control populations (PM2) and it has not been reported in individuals with BPTF-related disorders in the databases available for review. Based on the current evidence, this variant is classified as likely pathogenic for autosomal dominant neurodevelopmental disorder with dysmorphic facies and distal limb anomalies.

Literature cited by the submitters: PubMed 28942966; PubMed 33522091.